The following is an entry in ClinVar:

ClinVar aggregate classification (germline): Likely pathogenic (1 of 4 stars; one submission).

Conditions:
Hereditary cancer-predisposing syndrome. Also called: Neoplastic Syndromes, Hereditary; Tumor predisposition; Hereditary Cancer Syndrome; Hereditary neoplastic syndrome. Identifiers: Orphanet 140162, MedGen C0027672, MeSH D009386, MONDO:0015356.

Submission:

Ambry Genetics
Classification: Likely pathogenic for Hereditary cancer-predisposing syndrome. Last evaluated: 2024-11-15. Review status: criteria provided, single submitter. Criteria: Ambry Variant Classification Scheme 2023. Collection method: clinical testing. Allele origin: germline.
Comment: The c.3114-2A>C intronic variant results from an A to C substitution two nucleotides upstream from coding exon 11 in the PALB2 gene. This nucleotide position is highly conserved in available vertebrate species. In silico splice site analysis predicts that this alteration will weaken the native splice acceptor site; however, direct evidence is insufficient at this time (Ambry internal data). Alterations that disrupt the canonical splice site are expected to cause aberrant splicing, resulting in an abnormal protein or a transcript that is subject to nonsense-mediated mRNA decay. As such, this alteration is classified as likely pathogenic.

NM_024675.4(PALB2):c.3114-2A>C

Gene: PALB2 (partner and localizer of BRCA2; minus strand). Cytogenetic location: 16p12.2.
Variant type: single nucleotide variant.
Coding change: c.3114-2A>C on transcript NM_024675.4 (MANE Select); the canonical splice acceptor site of the intron before coding-DNA position 3114, A replaced by C.
Molecular consequence: splice acceptor variant. On other transcripts: intron variant (3).
Genome position (GRCh38, 1-based): chr16:23,614,093, T>G on the plus strand (A>C on the coding strand, the complement: PALB2 is on the minus strand). VCF-style: chr16-23614093-T-G. GRCh37 (hg19) VCF-style: chr16-23625414-T-G.
Other names: c.2228+7269A>C (NM_001407308.1, NM_001407309.1); c.2229-2A>C (NM_001407306.1, NM_001407311.1, NM_001407305.1 and 2 more transcripts); c.648-2A>C (NM_001407314.1); c.1326-2A>C (NM_001407313.1, NM_001407312.1); c.3054-2A>C (NM_001407296.1); c.3042-2A>C (NM_001407297.1); c.2952-2A>C (NM_001407302.1, NM_001407298.1); c.2835-2A>C (NM_001407300.1); and 3 more.
Identifiers: ClinVar variation 3413489 (VCV003413489.1).